The following is an entry in ClinVar:

ClinVar aggregate classification (germline): Benign (0 of 4 stars; one submission).

Conditions:
TGM3-related disorder. Also called: TGM3-related condition.

Allele frequency attached by ClinVar (database versions not stated): 1000 Genomes Project 30x 0.00047; 1000 Genomes Project 0.00060; ESP Exome Variant Server 0.00123; gnomAD exomes 0.00249; ExAC 0.00260; gnomAD 0.00302.
gnomAD v4.1: 4,055 of 1,614,168 alleles (0.25%); highest among the groups gnomAD compares: Non-Finnish European, 0.22%; 21 homozygotes.

Submission:

PreventionGenetics, part of Exact Sciences
Classification: Benign for TGM3-related condition. Last evaluated: 2019-10-03. Review status: no assertion criteria provided. Collection method: clinical testing. Allele origin: germline.
Comment: This variant is classified as benign based on ACMG/AMP sequence variant interpretation guidelines (Richards et al. 2015 PMID: 25741868, with internal and published modifications).

NM_003245.4(TGM3):c.1993C>T (p.Arg665Trp)

Gene: TGM3 (transglutaminase 3; plus strand). Cytogenetic location: 20p13.
Variant type: single nucleotide variant.
Coding change: c.1993C>T on transcript NM_003245.4 (MANE Select); coding-DNA position 1993, C replaced by T.
Protein change: p.Arg665Trp; replaces arginine 665 with tryptophan.
Molecular consequence: missense variant.
Genome position (GRCh38, 1-based): chr20:2,340,492, C>T. VCF-style: chr20-2340492-C-T. GRCh37 (hg19) VCF-style: chr20-2321138-C-T.
Other names: short protein forms R665W.
Identifiers: ClinVar variation 3044675 (VCV003044675.2), dbSNP rs150949349, ClinGen allele CA9731432.